The following is an entry in ClinVar:

NM_024675.4(PALB2):c.1515C>T (p.Ala505=)

Gene: PALB2 (partner and localizer of BRCA2; minus strand). Cytogenetic location: 16p12.2.
Variant type: single nucleotide variant.
Coding change: c.1515C>T on transcript NM_024675.4 (MANE Select); coding-DNA position 1515, C replaced by T.
Protein change: p.Ala505=; no amino-acid change (alanine 505 retained).
Molecular consequence: synonymous variant.
Genome position (GRCh38, 1-based): chr16:23,635,031, G>A on the plus strand (C>T on the coding strand, the complement: PALB2 is on the minus strand). VCF-style: chr16-23635031-G-A. GRCh37 (hg19) VCF-style: chr16-23646352-G-A.
Identifiers: ClinVar variation 233501 (VCV000233501.16), dbSNP rs745837198, ClinGen allele CA7963700.
Genomic context (GRCh38, chr16:23,635,031, plus strand): 5'-ATCTGATGCTGGGGTGCAGGCTGATTTTCTTTTTCCTGTGTATCTTCTACCAGGTGCTTG[G>A]GCAACTGCCTTCCTAGACAAGTCATTATCTTCAGTGGGCCCAGCGGGAGAGCTGACTTTA-3'
Protein context (NP_078951.2, residues 495-515): EDNDLSRKAV[Ala505=]QAPGRRYTGK

ClinVar aggregate classification (germline): Benign/Likely benign. Review status: criteria provided, multiple submitters, no conflicts (2 of 4 stars). 3 submissions from 3 submitters: Benign (1); Likely benign (2). Last evaluated 2026-01-04.

Conditions:
Familial cancer of breast. Also called: BREAST CANCER, FAMILIAL; hereditary breast carcinoma; Hereditary breast cancer. Identifiers: Orphanet 227535, MedGen C0346153, MONDO:0016419, OMIM 114480. Disease mechanism: loss of function.
Hereditary cancer-predisposing syndrome. Also called: Neoplastic Syndromes, Hereditary; Tumor predisposition; Hereditary Cancer Syndrome; Hereditary neoplastic syndrome. Identifiers: Orphanet 140162, MedGen C0027672, MeSH D009386, MONDO:0015356.

Allele frequency attached by ClinVar (database versions not stated): gnomAD exomes below 0.00001 and 0.00002; ExAC 0.00002.
gnomAD v4.1: 1 of 1,614,096 alleles (0.000062%); highest among the groups gnomAD compares: East Asian, 0.0022%; no homozygotes.

Submissions (3):

Labcorp Genetics (formerly Invitae), Labcorp
Classification: Likely benign for Familial cancer of breast. Last evaluated: 2026-01-04. Review status: criteria provided, single submitter. Criteria: Invitae Variant Classification Sherloc (09022015). Collection method: clinical testing. Allele origin: germline.

Myriad Genetics, Inc.
Classification: Benign for Familial cancer of breast. Last evaluated: 2025-01-14. Review status: criteria provided, single submitter. Criteria: Myriad Autosomal Dominant, Autosomal Recessive and X-Linked Classification Criteria (2023). Collection method: clinical testing. Allele origin: unknown.
Comment: This variant is considered benign. This variant is a silent/synonymous amino acid change and it is not expected to impact splicing.

Ambry Genetics
Classification: Likely benign for Hereditary cancer-predisposing syndrome. Last evaluated: 2015-08-14. Review status: criteria provided, single submitter. Criteria: Ambry Variant Classification Scheme 2023. Collection method: clinical testing. Allele origin: germline.